The following is an entry in ClinVar:

NM_002890.3(RASA1):c.1510C>G (p.Leu504Val)

Genes: CCNH (cyclin H; minus strand), RASA1 (RAS p21 protein activator 1; plus strand). Cytogenetic location: 5q14.3.
Variant type: single nucleotide variant.
Coding change: c.1510C>G on transcript NM_002890.3 (MANE Select); coding-DNA position 1510, C replaced by G.
Protein change: p.Leu504Val; replaces leucine 504 with valine.
Molecular consequence: missense variant. On other transcripts: intron variant (1).
Genome position (GRCh38, 1-based): chr5:87,363,404, C>G. VCF-style: chr5-87363404-C-G. GRCh37 (hg19) VCF-style: chr5-86659221-C-G.
Other names: c.979C>G, p.Leu327Val (NM_022650.3); c.933+31640G>C (NM_001364075.2); short protein forms L327V, L504V.
Identifiers: ClinVar variation 4825478 (VCV004825478.1).

ClinVar aggregate classification (germline): Uncertain significance (1 of 4 stars; one submission).

Conditions:
Cardiovascular phenotype. Identifiers: MedGen CN230736.

Submission:

Ambry Genetics
Classification: Uncertain significance for Cardiovascular phenotype. Last evaluated: 2026-01-25. Review status: criteria provided, single submitter. Criteria: Ambry Variant Classification Scheme 2023. Collection method: clinical testing. Allele origin: germline.
Comment: The p.L504V variant (also known as c.1510C>G), located in coding exon 11 of the RASA1 gene, results from a C to G substitution at nucleotide position 1510. The leucine at codon 504 is replaced by valine, an amino acid with highly similar properties. This amino acid position is conserved. In addition, the in silico prediction for this alteration is inconclusive. Based on the available evidence, the clinical significance of this variant remains unclear.